The following is an entry in ClinVar:

NM_021008.4(DEAF1):c.166_167delinsAT (p.Ala56Met)

Gene: DEAF1 (DEAF1 transcription factor; minus strand). Cytogenetic location: 11p15.5.
Variant type: Indel.
Coding change: c.166_167delinsAT on transcript NM_021008.4 (MANE Select); coding-DNA positions 166 to 167, GC replaced by AT.
Protein change: p.Ala56Met; replaces alanine 56 with methionine.
Molecular consequence: missense variant. On other transcripts: intron variant (1).
Genome position (GRCh38, 1-based): chr11:694,881-694,882, GC replaced by AT on the plus strand (GC replaced by AT on the coding strand, the reverse complement: DEAF1 is on the minus strand). VCF-style: chr11-694881-GC-AT. GRCh37 (hg19) VCF-style: chr11-694881-GC-AT.
Other names: c.166_167delGCinsAT, p.Ala56Met (NM_001293634.2); c.-437-3284_-437-3283delinsAT (NM_001367390.1); short protein forms A56M.
Identifiers: ClinVar variation 2809427 (VCV002809427.3), dbSNP rs2494504763, ClinGen allele CA2739276072.

ClinVar aggregate classification (germline): Uncertain significance (1 of 4 stars; one submission).

Submission:

Labcorp Genetics (formerly Invitae), Labcorp
Classification: Uncertain significance. Last evaluated: 2023-07-14. Review status: criteria provided, single submitter. Criteria: Invitae Variant Classification Sherloc (09022015). Collection method: clinical testing. Allele origin: germline.
Comment: In summary, the available evidence is currently insufficient to determine the role of this variant in disease. Therefore, it has been classified as a Variant of Uncertain Significance. An algorithm developed to predict the effect of missense changes on protein structure and function (PolyPhen-2) suggests that this variant is likely to be tolerated. This variant has not been reported in the literature in individuals affected with DEAF1-related conditions. Information on the frequency of this variant in the gnomAD database is not available, as this variant may be reported differently in the database. This sequence change replaces alanine, which is neutral and non-polar, with methionine, which is neutral and non-polar, at codon 56 of the DEAF1 protein (p.Ala56Met).